The following is an entry in ClinVar:

NM_002439.5(MSH3):c.2983G>C (p.Glu995Gln)

Gene: MSH3 (mutS homolog 3; plus strand). Cytogenetic location: 5q14.1.
Variant type: single nucleotide variant.
Coding change: c.2983G>C on transcript NM_002439.5 (MANE Select); coding-DNA position 2983, G replaced by C.
Protein change: p.Glu995Gln; replaces glutamic acid 995 with glutamine.
Molecular consequence: missense variant.
Genome position (GRCh38, 1-based): chr5:80,854,299, G>C. VCF-style: chr5-80854299-G-C. GRCh37 (hg19) VCF-style: chr5-80150118-G-C.
Other names: short protein forms E995Q.
Identifiers: ClinVar variation 2562137 (VCV002562137.2), dbSNP rs2478772013, ClinGen allele CA360275825.

ClinVar aggregate classification (germline): Uncertain significance (1 of 4 stars; one submission).

Conditions:
Hereditary cancer-predisposing syndrome. Also called: Neoplastic Syndromes, Hereditary; Hereditary Cancer Syndrome; Hereditary neoplastic syndrome; Tumor predisposition. Identifiers: Orphanet 140162, MedGen C0027672, MeSH D009386, MONDO:0015356.

Submission:

Ambry Genetics
Classification: Uncertain significance for Hereditary cancer-predisposing syndrome. Last evaluated: 2023-03-15. Review status: criteria provided, single submitter. Criteria: Ambry Variant Classification Scheme 2023. Collection method: clinical testing. Allele origin: germline.
Comment: The p.E995Q variant (also known as c.2983G>C), located in coding exon 21 of the MSH3 gene, results from a G to C substitution at nucleotide position 2983. The glutamic acid at codon 995 is replaced by glutamine, an amino acid with highly similar properties. This amino acid position is conserved. In addition, this alteration is predicted to be deleterious by in silico analysis. Since supporting evidence is limited at this time, the clinical significance of this alteration remains unclear.